The following is an entry in ClinVar:

NM_001005388.3(NFASC):c.1696A>G (p.Ile566Val)

Gene: NFASC (neurofascin; plus strand). Cytogenetic location: 1q32.1.
Variant type: single nucleotide variant.
Coding change: c.1696A>G on transcript NM_001005388.3 (MANE Select); coding-DNA position 1696, A replaced by G.
Protein change: p.Ile566Val; replaces isoleucine 566 with valine.
Molecular consequence: missense variant. On other transcripts: non-coding transcript variant (1).
Genome position (GRCh38, 1-based): chr1:204,975,408, A>G. VCF-style: chr1-204975408-A-G. GRCh37 (hg19) VCF-style: chr1-204944536-A-G.
Other names: c.1696A>G, p.Ile566Val (NM_001005389.2, NM_001378329.1); c.1729A>G, p.Ile577Val (NM_001160331.2, NM_001160332.2, NM_001365986.1 and 3 more transcripts); c.1678A>G, p.Ile560Val (NM_001160333.2); short protein forms I560V, I577V, I566V.
Identifiers: ClinVar variation 723070 (VCV000723070.33), dbSNP rs55778126, ClinGen allele CA1350026.
Genomic context (GRCh38, chr1:204,975,408, plus strand): 5'-AAGCACGACCCCTCCCTGAAACTCACCGTCTCCTGGCTGAAGGATGACGAGCCGCTCTAT[A>G]TTGGAAACAGGTTTCTCTTCCCCCTTCCCCCTTCCTAGTGCTAGTTTGAGGCGCATTTTC-3'
Protein context (NP_001005388.2, residues 556-576): SWLKDDEPLY[Ile566Val]GNRMKKEDDS

ClinVar aggregate classification (germline): Benign. Review status: criteria provided, multiple submitters, no conflicts (2 of 4 stars). 3 submissions from 3 submitters: Benign (3). Last evaluated 2026-02-01.

Allele frequency attached by ClinVar (database versions not stated): 1000 Genomes Project 30x 0.00453; 1000 Genomes Project 0.00459; gnomAD 0.00524 and 0.00549; gnomAD exomes 0.00601 and 0.00645; ExAC 0.00623; TOPMed 0.00342; ESP Exome Variant Server 0.00354.
gnomAD v4.1: 9,546 of 1,612,542 alleles (0.59%); highest among the groups gnomAD compares: East Asian, 1.1%; 51 homozygotes.

Submissions (3):

CeGaT Center for Human Genetics Tuebingen
Classification: Benign. Last evaluated: 2026-02-01. Review status: criteria provided, single submitter. Criteria: CeGaT Center For Human Genetics Tuebingen Variant Classification Criteria Version 2. Collection method: clinical testing. Allele origin: germline. Affected: yes. Observed: 17 variant alleles.
Comment: NFASC: PP2, BP4, BS1, BS2

Labcorp Genetics (formerly Invitae), Labcorp
Classification: Benign. Last evaluated: 2018-08-22. Review status: criteria provided, single submitter. Criteria: Invitae Variant Classification Sherloc (09022015). Collection method: clinical testing. Allele origin: germline.

Breakthrough Genomics
Classification: Benign. Review status: criteria provided, single submitter. Criteria: ACMG Guidelines, 2015. Collection method: not provided. Allele origin: germline. Inheritance: Autosomal recessive inheritance. Affected: yes.